The following is an entry in ClinVar:

NM_003242.6(TGFBR2):c.73C>T (p.Pro25Ser)

Gene: TGFBR2 (transforming growth factor beta receptor 2; plus strand). Cytogenetic location: 3p24.1.
Variant type: single nucleotide variant.
Coding change: c.73C>T on transcript NM_003242.6 (MANE Select); coding-DNA position 73, C replaced by T.
Protein change: p.Pro25Ser; replaces proline 25 with serine.
Molecular consequence: missense variant. On other transcripts: 5 prime UTR variant (4), intron variant (2).
Genome position (GRCh38, 1-based): chr3:30,606,956, C>T. VCF-style: chr3-30606956-C-T. GRCh37 (hg19) VCF-style: chr3-30648448-C-T.
Other names: c.73C>T, p.Pro25Ser (NM_001407130.1, NM_001407137.1, NM_001407138.1 and 4 more transcripts); c.-211C>T (NM_001407133.1); c.-89C>T (NM_001407134.1); c.-136C>T (NM_001407135.1); c.-221C>T (NM_001407136.1); c.-12+363C>T (NM_001407132.1, NM_001407129.1); short protein forms P25S.
Identifiers: ClinVar variation 4757056 (VCV004757056.1).

ClinVar aggregate classification (germline): Uncertain significance (1 of 4 stars; one submission).

Conditions:
Familial thoracic aortic aneurysm and aortic dissection (TAAD). Also called: Thoracic aortic aneurysms and dissections. Identifiers: Orphanet 91387, MedGen C4707243, MONDO:0019625.

gnomAD v4.1: 1 of 1,601,914 alleles (0.000062%); highest among the groups gnomAD compares: Non-Finnish European, 0.000085%; no homozygotes.

Submission:

Color Diagnostics, LLC DBA Color Health
Classification: Uncertain significance for Familial thoracic aortic aneurysm and aortic dissection. Last evaluated: 2025-06-23. Review status: criteria provided, single submitter. Criteria: ACMG Guidelines, 2015. Collection method: clinical testing. Allele origin: germline.
Comment: This missense variant replaces proline with serine at codon 25 of the TGFBR2 protein. Computational prediction suggests that this variant may not impact protein structure and function. To our knowledge, functional studies have not been reported for this variant. This variant has not been reported in individuals affected with TGFBR2-related disorders in the literature. This variant has not been identified in the general population by the Genome Aggregation Database (gnomAD). The available evidence is insufficient to determine the role of this variant in disease conclusively. Therefore, this variant is classified as a Variant of Uncertain Significance.